The following is an entry in ClinVar:

NM_015308.5(FNBP4):c.456C>T (p.Ile152=)

Gene: FNBP4 (formin binding protein 4; minus strand). Cytogenetic location: 11p11.2.
Variant type: single nucleotide variant.
Coding change: c.456C>T on transcript NM_015308.5 (MANE Select); coding-DNA position 456, C replaced by T.
Protein change: p.Ile152=; no amino-acid change (isoleucine 152 retained).
Molecular consequence: synonymous variant. On other transcripts: intron variant (2).
Genome position (GRCh38, 1-based): chr11:47,753,097, G>A on the plus strand (C>T on the coding strand, the complement: FNBP4 is on the minus strand). VCF-style: chr11-47753097-G-A. GRCh37 (hg19) VCF-style: chr11-47774649-G-A.
Other names: c.462C>T, p.Ile154= (NM_001318339.4, NM_001441100.1, NM_001441108.1 and 3 more transcripts); c.681C>T, p.Ile227= (NM_001441101.1); c.675C>T, p.Ile225= (NM_001441102.1); c.369C>T, p.Ile123= (NM_001441103.1); c.363C>T, p.Ile121= (NM_001441104.1); c.177C>T, p.Ile59= (NM_001441105.1); c.456C>T, p.Ile152= (NM_001441111.1, NM_001441112.1, NM_001441114.1); c.314-1807C>T (NM_001441106.1); and 1 more.
Identifiers: ClinVar variation 4980990 (VCV004980990.1).
Genomic context (GRCh38, chr11:47,753,097, plus strand): 5'-AGTTGGAGGTGGAGCAGAAGCTCCTACAGGAGCTGCAGGCTGAGGAGCTGTTATGGCATC[G>A]ATCTCCTTCAGTATGAAAAGAGTAACAAATGCAGTAATTATATCAAAAACAAGAAACTTA-3'
Protein context (NP_056123.2, residues 142-162): DSTLANFLAE[Ile152=]DAITAPQPAA

ClinVar aggregate classification (germline): Likely benign (1 of 4 stars; one submission).

Conditions:
FNBP4-related disorder. Also called: FNBP4-related condition.

gnomAD v4.1: 129 of 1,606,368 alleles (0.008%); highest among the groups gnomAD compares: Admixed American, 0.016%; no homozygotes.

Submission:

PreventionGenetics, part of Exact Sciences
Classification: Likely benign for FNBP4-related condition. Last evaluated: 2026-05-29. Review status: criteria provided, single submitter. Criteria: ACMG Guidelines, 2015. Collection method: clinical testing. Allele origin: germline.
Comment: This variant is classified as likely benign based on ACMG/AMP sequence variant interpretation guidelines (Richards et al. 2015 PMID: 25741868, with internal and published modifications).